The following is an entry in ClinVar:

ClinVar aggregate classification (germline): Uncertain significance (1 of 4 stars; one submission).

Conditions:
Familial hemiplegic migraine. Identifiers: MedGen C0338484, MONDO:0000700.

Submission:

Labcorp Genetics (formerly Invitae), Labcorp
Classification: Uncertain significance for Familial hemiplegic migraine. Last evaluated: 2025-05-23. Review status: criteria provided, single submitter. Criteria: Invitae Variant Classification Sherloc (09022015). Collection method: clinical testing. Allele origin: germline.
Comment: This variant, c.524_532del, results in the deletion of 3 amino acid(s) of the ATP1A2 protein (p.Lys175_Gln177del), but otherwise preserves the integrity of the reading frame. This variant is not present in population databases (gnomAD no frequency). This variant has not been reported in the literature in individuals affected with ATP1A2-related conditions. Experimental studies and prediction algorithms are not available or were not evaluated, and the functional significance of this variant is currently unknown. In summary, the available evidence is currently insufficient to determine the role of this variant in disease. Therefore, it has been classified as a Variant of Uncertain Significance.

NM_000702.4(ATP1A2):c.524_532del (p.Lys175_Gln177del)

Genes: ATP1A2 (ATPase Na+/K+ transporting subunit alpha 2; plus strand), LOC126805890 (CDK7 strongly-dependent group 2 enhancer GRCh37_chr1:160093987-160095186; plus strand). Cytogenetic location: 1q23.2.
Variant type: Deletion.
Coding change: c.524_532del on transcript NM_000702.4 (MANE Select); coding-DNA positions 524 to 532, 9 bases deleted (AGATGCAGA; older notation c.524_532delAGATGCAGA).
Protein change: p.Lys175_Gln177del.
Molecular consequence: inframe deletion.
Genome position (GRCh38, 1-based): chr1:160,124,324-160,124,332, AGATGCAGA deleted; deleting any 9 consecutive bases within chr1:160,124,321-160,124,332 gives the same sequence; the c. name uses the placement nearest the transcript's 3' end. VCF-style (leftmost placement, unchanged base first): chr1-160124320-GAGAAGATGC-G. GRCh37 (hg19) VCF-style: chr1-160094110-GAGAAGATGC-G.
Identifiers: ClinVar variation 4720099 (VCV004720099.1).